The following is an entry in ClinVar:

ClinVar aggregate classification (germline): Pathogenic (1 of 4 stars; one submission).

Conditions:
Hereditary breast ovarian cancer syndrome. Also called: BRCA1- and BRCA2-Associated Hereditary Breast and Ovarian Cancer; Hereditary breast and ovarian cancer syndrome; Hereditary breast and ovarian cancer syndrome (HBOC); Hereditary breast and/or ovarian cancer syndrome; Breast and ovarian cancer; Hereditary breast and ovarian cancer. Identifiers: Orphanet 145, MedGen C0677776, MeSH D061325, MONDO:0003582. Disease mechanism: loss of function.

Submission:

Labcorp Genetics (formerly Invitae), Labcorp
Classification: Pathogenic for Hereditary breast ovarian cancer syndrome. Last evaluated: 2018-10-16. Review status: criteria provided, single submitter. Criteria: Invitae Variant Classification Sherloc (09022015). Collection method: clinical testing. Allele origin: germline.
Comment: For these reasons, this variant has been classified as Pathogenic. Loss-of-function variants in BRCA2 are known to be pathogenic (PMID: 20104584). This variant has not been reported in the literature in individuals with BRCA2-related disease. This variant is not present in population databases (ExAC no frequency). This sequence change creates a premature translational stop signal (p.Lys1850Asnfs*7) in the BRCA2 gene. It is expected to result in an absent or disrupted protein product.

Literature cited by the submitters: PubMed 20104584.

NM_000059.4(BRCA2):c.5547_5548del (p.Lys1850fs)

Gene: BRCA2 (BRCA2 DNA repair associated; plus strand). Cytogenetic location: 13q13.1.
Variant type: Deletion.
Coding change: c.5547_5548del on transcript NM_000059.4 (MANE Select); coding-DNA positions 5547 to 5548, 2 bases deleted (TA; older notation c.5547_5548delTA).
Protein change: p.Lys1850fs; shifts the reading frame from lysine 1850.
Molecular consequence: frameshift variant.
Genome position (GRCh38, 1-based): chr13:32,339,902-32,339,903, TA deleted. VCF-style (leftmost placement, unchanged base first): chr13-32339901-GTA-G. GRCh37 (hg19) VCF-style: chr13-32914038-GTA-G.
Other names: c.5547_5548delTA (NM_000059.3); short protein forms K1850fs.
Identifiers: ClinVar variation 659380 (VCV000659380.7), dbSNP rs1593905747, ClinGen allele CA915948494.